The following is an entry in ClinVar:

NM_201384.3(PLEC):c.8306C>T (p.Ser2769Leu)

Gene: PLEC (plectin; minus strand). Cytogenetic location: 8q24.3.
Variant type: single nucleotide variant.
Coding change: c.8306C>T on transcript NM_201384.3 (MANE Select); coding-DNA position 8306, C replaced by T.
Protein change: p.Ser2769Leu; replaces serine 2769 with leucine.
Molecular consequence: missense variant.
Genome position (GRCh38, 1-based): chr8:143,921,515, G>A on the plus strand (C>T on the coding strand, the complement: PLEC is on the minus strand). VCF-style: chr8-143921515-G-A. GRCh37 (hg19) VCF-style: chr8-144995683-G-A.
Other names: c.8387C>T, p.Ser2796Leu (NM_000445.5); c.8264C>T, p.Ser2755Leu (NM_201378.4); c.8240C>T, p.Ser2747Leu (NM_201379.3); c.8717C>T, p.Ser2906Leu (NM_201380.4); c.8210C>T, p.Ser2737Leu (NM_201381.3); c.8306C>T, p.Ser2769Leu (NM_201382.4); c.8318C>T, p.Ser2773Leu (NM_201383.3); c.8387C>T (NM_000445.3); short protein forms S2737L, S2747L, S2755L, S2769L, S2773L, S2796L, S2906L.
Identifiers: ClinVar variation 500224 (VCV000500224.16), dbSNP rs368412208, ClinGen allele CA4925368.

ClinVar aggregate classification (germline): Uncertain significance. Review status: criteria provided, multiple submitters, no conflicts (2 of 4 stars). 5 submissions from 5 submitters: Uncertain significance (5). Last evaluated 2025-11-15.

Conditions:
Inborn genetic diseases. Identifiers: MedGen C0950123, MeSH D030342.
Epidermolysis bullosa simplex 5B, with muscular dystrophy (EBS5B). Also called: EPIDERMOLYSIS BULLOSA SIMPLEX AND LIMB-GIRDLE MUSCULAR DYSTROPHY; Epidermolysis bullosa simplex with muscular dystrophy. Identifiers: Orphanet 257, MedGen C2931072, MONDO:0009181, OMIM 226670.
Epidermolysis bullosa simplex, Ogna type (EBS5A). Also called: Pidermolysis bullosa simplex 5A, Ogna type; EPIDERMOLYSIS BULLOSA SIMPLEX 5A, OGNA TYPE. Identifiers: Orphanet 79401, MedGen C0432317, MONDO:0007555, OMIM 131950.
Autosomal recessive limb-girdle muscular dystrophy type 2Q (LGMDR17). Also called: MUSCULAR DYSTROPHY, LIMB-GIRDLE, AUTOSOMAL RECESSIVE 17. Identifiers: Orphanet 254361, MedGen C3150989, MONDO:0013390, OMIM 613723.
Epidermolysis bullosa simplex 5C, with pyloric atresia (EBS5C). Also called: Epidermolysis bullosa simplex with pyloric atresia; PLEC1-Related Epidermolysis Bullosa with Pyloric Atresia; PLEC-Related Epidermolysis Bullosa with Pyloric Atresia. Identifiers: Orphanet 158684, MedGen C2677349, MONDO:0012807, OMIM 612138.
Epidermolysis bullosa simplex with nail dystrophy (EBS5D). Identifiers: MedGen C4225309, MONDO:0014661, OMIM 616487.

Allele frequency attached by ClinVar (database versions not stated): gnomAD 0.00002 and 0.00003; ExAC 0.00003; TOPMed 0.00003; gnomAD exomes 0.00004 and 0.00005; ESP Exome Variant Server 0.00008.
gnomAD v4.1: 76 of 1,612,852 alleles (0.0047%); highest among the groups gnomAD compares: Non-Finnish European, 0.0054%; 1 homozygote.

Submissions (5):

Labcorp Genetics (formerly Invitae), Labcorp
Classification: Uncertain significance for Autosomal recessive limb-girdle muscular dystrophy type 2Q; Epidermolysis bullosa simplex, Ogna type; Epidermolysis bullosa simplex with nail dystrophy; Epidermolysis bullosa simplex 5C, with pyloric atresia; Epidermolysis bullosa simplex 5B, with muscular dystrophy. Last evaluated: 2025-11-15. Review status: criteria provided, single submitter. Criteria: Invitae Variant Classification Sherloc (09022015). Collection method: clinical testing. Allele origin: germline.
Comment: This sequence change replaces serine, which is neutral and polar, with leucine, which is neutral and non-polar, at codon 2796 of the PLEC protein (p.Ser2796Leu). The frequency data for this variant in the population databases is considered unreliable, as metrics indicate poor data quality at this position in the gnomAD database. This variant has not been reported in the literature in individuals affected with PLEC-related conditions. ClinVar contains an entry for this variant (Variation ID: 500224). An algorithm developed to predict the effect of missense changes on protein structure and function (PolyPhen-2) suggests that this variant is likely to be tolerated. In summary, the available evidence is currently insufficient to determine the role of this variant in disease. Therefore, it has been classified as a Variant of Uncertain Significance.

Ambry Genetics
Classification: Uncertain significance for Inborn genetic diseases. Last evaluated: 2025-06-10. Review status: criteria provided, single submitter. Criteria: Ambry Variant Classification Scheme 2023. Collection method: clinical testing. Allele origin: germline.

Revvity Omics, Revvity
Classification: Uncertain significance. Last evaluated: 2021-02-11. Review status: criteria provided, single submitter. Criteria: ACMG Guidelines, 2015. Collection method: clinical testing. Allele origin: germline.

Eurofins Ntd Llc (ga)
Classification: Uncertain significance. Last evaluated: 2017-02-01. Review status: criteria provided, single submitter. Criteria: EGL Classification Definitions 2015. Collection method: clinical testing. Allele origin: germline. Observed: 1 variant allele, 1 heterozygote.

Breakthrough Genomics
Classification: Uncertain significance. Review status: criteria provided, single submitter. Criteria: ACMG Guidelines, 2015. Collection method: not provided. Allele origin: germline. Inheritance: Autosomal recessive inheritance. Affected: yes.